The following is an entry in ClinVar:

NM_033068.3(ACP4):c.973G>A (p.Ala325Thr)

Gene: ACP4 (acid phosphatase 4; plus strand). Cytogenetic location: 19q13.33.
Variant type: single nucleotide variant.
Coding change: c.973G>A on transcript NM_033068.3 (MANE Select); coding-DNA position 973, G replaced by A.
Protein change: p.Ala325Thr; replaces alanine 325 with threonine.
Molecular consequence: missense variant.
Genome position (GRCh38, 1-based): chr19:50,794,568, G>A. VCF-style: chr19-50794568-G-A. GRCh37 (hg19) VCF-style: chr19-51297825-G-A.
Other names: short protein forms A325T.
Identifiers: ClinVar variation 3056780 (VCV003056780.2), dbSNP rs55716643, ClinGen allele CA9603209.

ClinVar aggregate classification (germline): Benign (0 of 4 stars; one submission).

Conditions:
ACP4-related disorder. Also called: ACP4-related condition.

Allele frequency attached by ClinVar (database versions not stated): ESP Exome Variant Server 0.23512; TOPMed 0.24424; gnomAD 0.26120; gnomAD exomes 0.29358; ExAC 0.30420; 1000 Genomes Project 30x 0.31777; 1000 Genomes Project 0.32987.

Submission:

PreventionGenetics, part of Exact Sciences
Classification: Benign for ACP4-related condition. Last evaluated: 2019-10-17. Review status: no assertion criteria provided. Collection method: clinical testing. Allele origin: germline.
Comment: This variant is classified as benign based on ACMG/AMP sequence variant interpretation guidelines (Richards et al. 2015 PMID: 25741868, with internal and published modifications).